The following is an entry in ClinVar:

ClinVar aggregate classification (germline): Likely pathogenic. Review status: criteria provided, multiple submitters, no conflicts (2 of 4 stars). 3 submissions from 3 submitters: Likely pathogenic (3). Last evaluated 2024-06-07.

Conditions:
Mucopolysaccharidosis, MPS-II (MPS2). Also called: Attenuated MPS (subtype; formerly known as mild MPS II); Severe MPS II; I2S deficiency; MPS 2; Hunter Syndrome; IDURONATE 2-SULFATASE DEFICIENCY. Identifiers: Orphanet 580, Orphanet 79388, MedGen C0026705, MONDO:0010674, OMIM 309900.

Submissions (3):

Laboratory of Diagnosis and Therapy of Lysosomal Disorders, University of Padova
Classification: Likely pathogenic for Mucopolysaccharidosis, MPS-II. Last evaluated: 2024-06-07. Review status: criteria provided, single submitter. Criteria: ACMG Guidelines, 2015. Collection method: literature only. Allele origin: germline. Affected: yes. Observed: 4 variant alleles.
Comment: Located in a mutational hot spot and/or critical functional domain (PM1_Moderate), Absent from controls (or at low frequency) in gnomAD database (PM2_Moderate), Missense change at the same amino acid residue as a pathogenic variant (PM5_Moderate), Missense variant in a gene with a low rate of benign missense variation (PP2_Supporting), Multiple lines of computational evidence support a deleterious effect (PP3_Supporting), Patient’s phenotype or family history highly specific for the disease (PP4_Moderate)

Classification method: ACMG Guidelines [PMID:25741868] with modifications

Labcorp Genetics (formerly Invitae), Labcorp
Classification: Likely pathogenic for Mucopolysaccharidosis, MPS-II. Last evaluated: 2020-07-30. Review status: criteria provided, single submitter. Criteria: Invitae Variant Classification Sherloc (09022015). Collection method: clinical testing. Allele origin: germline.
Comment: This sequence change replaces aspartic acid with glycine at codon 334 of the IDS protein (p.Asp334Gly). The aspartic acid residue is highly conserved and there is a moderate physicochemical difference between aspartic acid and glycine. In summary, the currently available evidence indicates that the variant is pathogenic, but additional data are needed to prove that conclusively. Therefore, this variant has been classified as Likely Pathogenic. This variant disrupts the p.Asp334 amino acid residue in IDS. Other variants that disrupt this residue have been observed in individuals with IDS-related conditions (PMID: 24125893, 9660053), which suggests that this may be a clinically significant amino acid residue. Algorithms developed to predict the effect of missense changes on protein structure and function are either unavailable or do not agree on the potential impact of this missense change (SIFT: "Deleterious"; PolyPhen-2: "Probably Damaging"; Align-GVGD: "Class C0"). This variant has been observed in an individual affected with mucopolysaccharidosis type II (PMID: 8830188, 30639582). This variant is not present in population databases (ExAC no frequency).

Department of Medical Genetics, Sanjay Gandhi Post Graduate Institute of Medical Sciences
Classification: Likely pathogenic for Mucopolysaccharidosis, MPS-II. Review status: criteria provided, single submitter. Criteria: ACMG Guidelines, 2015. Collection method: clinical testing. Allele origin: germline. Inheritance: X-linked recessive inheritance. Affected: yes. Observed: 1 variant allele, 1 hemizygote.

Literature cited by the submitters: PubMed 35144014 (cited by Laboratory of Diagnosis and Therapy of Lysosomal Disorders, University of Padova); PubMed 8830188 (cited by Laboratory of Diagnosis and Therapy of Lysosomal Disorders, University of Padova and Labcorp Genetics (formerly Invitae), Labcorp); PubMed 9950361 (cited by Laboratory of Diagnosis and Therapy of Lysosomal Disorders, University of Padova); PubMed 30639582 (cited by Laboratory of Diagnosis and Therapy of Lysosomal Disorders, University of Padova and Labcorp Genetics (formerly Invitae), Labcorp); PubMed 24125893 (cited by Labcorp Genetics (formerly Invitae), Labcorp); PubMed 9660053 (cited by Labcorp Genetics (formerly Invitae), Labcorp).

NM_000202.8(IDS):c.1001A>G (p.Asp334Gly)

Genes: IDS (iduronate 2-sulfatase; minus strand), LOC106050102 (IDS recombination region; plus strand). Cytogenetic location: Xq28.
Variant type: single nucleotide variant.
Coding change: c.1001A>G on transcript NM_000202.8 (MANE Select); coding-DNA position 1001, A replaced by G.
Protein change: p.Asp334Gly; replaces aspartic acid 334 with glycine.
Molecular consequence: missense variant. On other transcripts: non-coding transcript variant (1).
Genome position (GRCh38, 1-based): chrX:149,490,319, T>C on the plus strand (A>G on the coding strand, the complement: IDS is on the minus strand). VCF-style: chrX-149490319-T-C. GRCh37 (hg19) VCF-style: chrX-148571850-T-C.
Other names: c.731A>G, p.Asp244Gly (NM_001166550.4); c.1001A>G, p.Asp334Gly (NM_006123.5); short protein forms D334G, D244G.
Identifiers: ClinVar variation 852812 (VCV000852812.12), dbSNP rs2089378583, ClinGen allele CA414519840.